The following is an entry in ClinVar:

NM_013275.6(ANKRD11):c.4387_4390del (p.Glu1463fs)

Gene: ANKRD11 (ankyrin repeat domain 11; minus strand). Cytogenetic location: 16q24.3.
Variant type: Microsatellite.
Coding change: c.4387_4390del on transcript NM_013275.6 (MANE Select); coding-DNA positions 4387 to 4390, 4 bases deleted (GAGA; older notation c.4387_4390delGAGA).
Protein change: p.Glu1463fs; shifts the reading frame from glutamic acid 1463.
Molecular consequence: frameshift variant.
Genome position (GRCh38, 1-based): chr16:89,282,152-89,282,155, TCTC deleted on the plus strand (GAGA on the coding strand, the reverse complement: ANKRD11 is on the minus strand); deleting any 4 consecutive bases within chr16:89,282,152-89,282,160 gives the same sequence; the c. name uses the placement nearest the transcript's 3' end. VCF-style (leftmost placement, unchanged base first): chr16-89282151-TTCTC-T. GRCh37 (hg19) VCF-style: chr16-89348559-TTCTC-T.
Other names: c.4387_4390del, p.Glu1463fs (NM_001256182.2, NM_001256183.2); short protein forms E1463fs.
Identifiers: ClinVar variation 4074743 (VCV004074743.2).

ClinVar aggregate classification (germline): Pathogenic/Likely pathogenic. Review status: criteria provided, multiple submitters, no conflicts (2 of 4 stars). 2 submissions from 2 submitters: Pathogenic (1); Likely pathogenic (1). Last evaluated 2025-06-18.

Conditions:
ANKRD11-related disorder. Also called: ANKRD11-related condition.
KBG syndrome (KBGS). Also called: ANKRD11-Related KBG Syndrome. Identifiers: Orphanet 2332, MedGen C0220687, MONDO:0007846, OMIM 148050.

Submissions (2):

Institute of Immunology and Genetics Kaiserslautern
Classification: Pathogenic for KBG syndrome. Last evaluated: 2025-06-18. Review status: criteria provided, single submitter. Criteria: ACMG Guidelines, 2015. Collection method: clinical testing. Allele origin: de novo. Affected: yes.
Comment: ACMG Criteria: PVS1, PS2, PM2, PP5; Variant was found in heterozygous state. De novo-status was confirmed via in-house segregation analysis.

Blueprint Genetics
Classification: Likely pathogenic for ANKRD11-related disorders. Last evaluated: 2023-12-14. Review status: criteria provided, single submitter. Criteria: ACMG Guidelines, 2015. Collection method: clinical testing. Allele origin: germline. Affected: yes. Observed: 1 variant allele.